The following is an entry in ClinVar:

NM_152703.5(SAMD9L):c.4462G>A (p.Val1488Ile)

Gene: SAMD9L (sterile alpha motif domain containing 9 like; minus strand). Cytogenetic location: 7q21.2.
Variant type: single nucleotide variant.
Coding change: c.4462G>A on transcript NM_152703.5 (MANE Select); coding-DNA position 4462, G replaced by A.
Protein change: p.Val1488Ile; replaces valine 1488 with isoleucine.
Molecular consequence: missense variant.
Genome position (GRCh38, 1-based): chr7:93,131,510, C>T on the plus strand (G>A on the coding strand, the complement: SAMD9L is on the minus strand). VCF-style: chr7-93131510-C-T. GRCh37 (hg19) VCF-style: chr7-92760823-C-T.
Other names: c.4462G>A, p.Val1488Ile (NM_001303496.3, NM_001303497.3, NM_001303498.3 and 5 more transcripts); short protein forms V1488I.
Identifiers: ClinVar variation 729527 (VCV000729527.39), dbSNP rs139478067, ClinGen allele CA4343296.

ClinVar aggregate classification (germline): Benign/Likely benign. Review status: criteria provided, multiple submitters, no conflicts (2 of 4 stars). 4 submissions from 4 submitters: Benign (2); Likely benign (2). Last evaluated 2026-01-27.

Allele frequency attached by ClinVar (database versions not stated): ESP Exome Variant Server 0.00015; gnomAD 0.00051 and 0.00062; TOPMed 0.00067; ExAC 0.00106; gnomAD exomes 0.00115; 1000 Genomes Project 0.00140; 1000 Genomes Project 30x 0.00141.
gnomAD v4.1: 829 of 1,613,950 alleles (0.051%); highest among the groups gnomAD compares: East Asian, 1.1%; 3 homozygotes.

Submissions (4):

Labcorp Genetics (formerly Invitae), Labcorp
Classification: Benign. Last evaluated: 2026-01-27. Review status: criteria provided, single submitter. Criteria: Invitae Variant Classification Sherloc (09022015). Collection method: clinical testing. Allele origin: germline.

Blueprint Genetics
Classification: Likely benign. Last evaluated: 2024-11-21. Review status: criteria provided, single submitter. Criteria: ACMG Guidelines, 2015. Collection method: clinical testing. Allele origin: germline.

CeGaT Center for Human Genetics Tuebingen
Classification: Benign. Last evaluated: 2022-06-01. Review status: criteria provided, single submitter. Criteria: CeGaT Center For Human Genetics Tuebingen Variant Classification Criteria Version 2. Collection method: clinical testing. Allele origin: germline. Affected: yes. Observed: 1 variant allele.
Comment: SAMD9L: BS1, BS2

Genetic Services Laboratory, University of Chicago
Classification: Likely benign. Last evaluated: 2018-11-12. Review status: criteria provided, single submitter. Criteria: ACMG Guidelines, 2015. Collection method: clinical testing. Allele origin: germline. Affected: no.